The following is an entry in ClinVar:

NM_001379291.1(BRD4):c.3925A>T (p.Thr1309Ser)

Gene: BRD4 (bromodomain containing 4; minus strand). Cytogenetic location: 19p13.12.
Variant type: single nucleotide variant.
Coding change: c.3925A>T on transcript NM_001379291.1 (MANE Select); coding-DNA position 3925, A replaced by T.
Protein change: p.Thr1309Ser; replaces threonine 1309 with serine.
Molecular consequence: missense variant.
Genome position (GRCh38, 1-based): chr19:15,238,838, T>A on the plus strand (A>T on the coding strand, the complement: BRD4 is on the minus strand). VCF-style: chr19-15238838-T-A. GRCh37 (hg19) VCF-style: chr19-15349649-T-A.
Other names: c.3925A>T, p.Thr1309Ser (NM_058243.3); short protein forms T1309S.
Identifiers: ClinVar variation 2878318 (VCV002878318.3), dbSNP rs755041038, ClinGen allele CA9264482.
Genomic context (GRCh38, chr19:15,238,838, plus strand): 5'-GGGCCAACTCCCTCTGCTGGTCCAGCATGGACTGGGGCTGGGAGCTCTGGGCCTGTGGGG[T>A]GGCGGCGGCAGCCACCGCAGCTGCTTGCTGTTGCTGCTGCTGCTGTTGCTCCTGGCGCTG-3'
Protein context (NP_001366220.1, residues 1299-1319): QQAAAVAAAA[Thr1309Ser]PQAQSSQPQS

ClinVar aggregate classification (germline): Uncertain significance (1 of 4 stars; one submission).

gnomAD v4.1: 1 of 1,602,818 alleles (0.000062%); highest among the groups gnomAD compares: Admixed American, 0.0017%; no homozygotes.

Submission:

Labcorp Genetics (formerly Invitae), Labcorp
Classification: Uncertain significance. Last evaluated: 2024-10-24. Review status: criteria provided, single submitter. Criteria: Invitae Variant Classification Sherloc (09022015). Collection method: clinical testing. Allele origin: germline.
Comment: This sequence change replaces threonine, which is neutral and polar, with serine, which is neutral and polar, at codon 1309 of the BRD4 protein (p.Thr1309Ser). This variant is present in population databases (rs755041038, gnomAD 0.003%). This variant has not been reported in the literature in individuals affected with BRD4-related conditions. An algorithm developed to predict the effect of missense changes on protein structure and function (PolyPhen-2) suggests that this variant is likely to be tolerated. In summary, the available evidence is currently insufficient to determine the role of this variant in disease. Therefore, it has been classified as a Variant of Uncertain Significance.